The following is an entry in ClinVar:

NM_001792.5(CDH2):c.917A>G (p.Tyr306Cys)

Gene: CDH2 (cadherin 2; minus strand). Cytogenetic location: 18q12.1.
Variant type: single nucleotide variant.
Coding change: c.917A>G on transcript NM_001792.5 (MANE Select); coding-DNA position 917, A replaced by G.
Protein change: p.Tyr306Cys; replaces tyrosine 306 with cysteine.
Molecular consequence: missense variant.
Genome position (GRCh38, 1-based): chr18:28,003,100, T>C on the plus strand (A>G on the coding strand, the complement: CDH2 is on the minus strand). VCF-style: chr18-28003100-T-C. GRCh37 (hg19) VCF-style: chr18-25583064-T-C.
Other names: c.824A>G, p.Tyr275Cys (NM_001308176.2); short protein forms Y275C, Y306C.
Identifiers: ClinVar variation 1766059 (VCV001766059.5), dbSNP rs777857003, ClinGen allele CA8923569.
Genomic context (GRCh38, chr18:28,003,100, plus strand): 5'-TCATTGTTGATTGTAAACATGTTGGGTGAAGGGGTGCTTGGAGCCTGAGACACGATTCTG[T>C]ACCTCAACATCCCATTGAGGGCATTGGGATCGTCAGCATCAATTGCTGTTACGGTCATCA-3'
Protein context (NP_001783.2, residues 296-316): DPNALNGMLR[Tyr306Cys]RIVSQAPSTP

ClinVar aggregate classification (germline): Uncertain significance. Review status: criteria provided, multiple submitters, no conflicts (2 of 4 stars). 2 submissions from 2 submitters: Uncertain significance (2). Last evaluated 2023-07-12.

Conditions:
Inborn genetic diseases. Identifiers: MedGen C0950123, MeSH D030342.

Allele frequency attached by ClinVar (database versions not stated): gnomAD exomes below 0.00001; TOPMed below 0.00001; ExAC 0.00001.
gnomAD v4.1: 3 of 1,613,766 alleles (0.00019%); highest among the groups gnomAD compares: African/African-American, 0.0027%; no homozygotes.

Submissions (2):

Labcorp Genetics (formerly Invitae), Labcorp
Classification: Uncertain significance. Last evaluated: 2023-07-12. Review status: criteria provided, single submitter. Criteria: Invitae Variant Classification Sherloc (09022015). Collection method: clinical testing. Allele origin: germline.
Comment: In summary, the available evidence is currently insufficient to determine the role of this variant in disease. Therefore, it has been classified as a Variant of Uncertain Significance. An algorithm developed to predict the effect of missense changes on protein structure and function (PolyPhen-2) suggests that this variant is likely to be disruptive. ClinVar contains an entry for this variant (Variation ID: 1766059). This variant has not been reported in the literature in individuals affected with CDH2-related conditions. This variant is present in population databases (rs777857003, gnomAD 0.008%). This sequence change replaces tyrosine, which is neutral and polar, with cysteine, which is neutral and slightly polar, at codon 306 of the CDH2 protein (p.Tyr306Cys).

Ambry Genetics
Classification: Uncertain significance for Inborn genetic diseases. Last evaluated: 2022-05-30. Review status: criteria provided, single submitter. Criteria: Ambry Variant Classification Scheme 2023. Collection method: clinical testing. Allele origin: germline.
Comment: The p.Y306C variant (also known as c.917A>G), located in coding exon 7 of the CDH2 gene, results from an A to G substitution at nucleotide position 917. The tyrosine at codon 306 is replaced by cysteine, an amino acid with highly dissimilar properties. This amino acid position is conserved. In addition, this alteration is predicted to be deleterious by in silico analysis. Since supporting evidence is limited at this time, the clinical significance of this alteration remains unclear.